The following is an entry in ClinVar:

NM_004429.5(EFNB1):c.407C>T (p.Ser136Leu)

Gene: EFNB1 (ephrin B1; plus strand). Cytogenetic location: Xq13.1.
Variant type: single nucleotide variant.
Coding change: c.407C>T on transcript NM_004429.5 (MANE Select); coding-DNA position 407, C replaced by T.
Protein change: p.Ser136Leu; replaces serine 136 with leucine.
Molecular consequence: missense variant.
Genome position (GRCh38, 1-based): chrX:68,839,664, C>T. VCF-style: chrX-68839664-C-T. GRCh37 (hg19) VCF-style: chrX-68059507-C-T.
Other names: short protein forms S136L.
Identifiers: ClinVar variation 374804 (VCV000374804.2), dbSNP rs1057519033, ClinGen allele CA16043923.

ClinVar aggregate classification (germline): Likely pathogenic (1 of 4 stars; one submission).

Conditions:
Craniofrontonasal syndrome (CFNS). Also called: CRANIOFRONTONASAL DYSOSTOSIS. Identifiers: Orphanet 1520, MedGen C0220767, MONDO:0010570, OMIM 304110.

Submission:

Genomic Diagnostic Laboratory, Division of Genomic Diagnostics, Children's Hospital of Philadelphia
Classification: Likely pathogenic for Craniofrontonasal dysplasia. Last evaluated: 2016-09-17. Review status: criteria provided, single submitter. Criteria: DGD Variant Analysis Guidelines. Collection method: clinical testing. Allele origin: germline. Affected: yes. Observed: 1 variant allele.
Comment: Clinical Testing